The following is an entry in ClinVar:

ClinVar aggregate classification (germline): Uncertain significance (1 of 4 stars; one submission).

Conditions:
Hereditary cancer-predisposing syndrome. Also called: Tumor predisposition; Hereditary neoplastic syndrome; Hereditary Cancer Syndrome; Neoplastic Syndromes, Hereditary. Identifiers: Orphanet 140162, MedGen C0027672, MeSH D009386, MONDO:0015356.

Submission:

Ambry Genetics
Classification: Uncertain significance for Hereditary cancer-predisposing syndrome. Last evaluated: 2024-01-03. Review status: criteria provided, single submitter. Criteria: Ambry Variant Classification Scheme 2023. Collection method: clinical testing. Allele origin: germline.
Comment: The p.F264L variant (also known as c.792T>A), located in coding exon 7 of the BMPR1A gene, results from a T to A substitution at nucleotide position 792. The phenylalanine at codon 264 is replaced by leucine, an amino acid with highly similar properties. This amino acid position is conserved. In addition, the in silico prediction for this alteration is inconclusive. Since supporting evidence is limited at this time, the clinical significance of this alteration remains unclear.

NM_004329.3(BMPR1A):c.792T>A (p.Phe264Leu)

Gene: BMPR1A (bone morphogenetic protein receptor type 1A; plus strand). Cytogenetic location: 10q23.2.
Variant type: single nucleotide variant.
Coding change: c.792T>A on transcript NM_004329.3 (MANE Select); coding-DNA position 792, T replaced by A.
Protein change: p.Phe264Leu; replaces phenylalanine 264 with leucine.
Molecular consequence: missense variant. On other transcripts: non-coding transcript variant (3).
Genome position (GRCh38, 1-based): chr10:86,917,250, T>A. VCF-style: chr10-86917250-T-A. GRCh37 (hg19) VCF-style: chr10-88677007-T-A.
Other names: c.867T>A, p.Phe289Leu (NM_001406559.1); c.840T>A, p.Phe280Leu (NM_001406560.1); c.792T>A, p.Phe264Leu (NM_001406561.1, NM_001406562.1, NM_001406563.1 and 19 more transcripts); c.786T>A, p.Phe262Leu (NM_001406583.1); c.708T>A, p.Phe236Leu (NM_001406584.1, NM_001406585.1, NM_001406586.1 and 2 more transcripts); c.450T>A, p.Phe150Leu (NM_001406589.1); short protein forms F150L, F236L, F262L, F264L, F280L, F289L.
Identifiers: ClinVar variation 3223965 (VCV003223965.1), dbSNP rs2133576664, ClinGen allele CA377458159.
Genomic context (GRCh38, chr10:86,917,250, plus strand): 5'-ATATGGAGAAGTATGGATGGGCAAATGGCGTGGCGAAAAAGTGGCGGTGAAAGTATTCTT[T>A]ACCACTGAAGAAGCCAGCTGGTTTCGAGAAACAGAAATCTACCAAACTGTGCTAATGCGC-3'
Protein context (NP_004320.2, residues 254-274): RGEKVAVKVF[Phe264Leu]TTEEASWFRE